The following is an entry in ClinVar:

ClinVar aggregate classification (germline): Likely pathogenic. Review status: criteria provided, multiple submitters, no conflicts (2 of 4 stars). 2 submissions from 2 submitters: Likely pathogenic (2). Last evaluated 2022-12-21.

Conditions:
Autosomal recessive nonsyndromic hearing loss 4 (DFNB4). Also called: NEUROSENSORY NONSYNDROMIC RECESSIVE DEAFNESS 4; Nonsyndromic enlarged vestibular aqueduct (NSEVA); Deafness, autosomal recessive 4; FOXI1-Related Pendred Syndrome; KCNJ10-Related Pendred Syndrome; DEAFNESS, AUTOSOMAL RECESSIVE 4, WITH ENLARGED VESTIBULAR AQUEDUCT, DIGENIC. Identifiers: Orphanet 90636, MedGen C3538946, MONDO:0010933, OMIM 600791.
Pendred syndrome (PDS). Also called: Pendred Syndrome (PDS); GOITER-DEAFNESS SYNDROME; HYPOTHYROIDISM, CONGENITAL, DUE TO DYSHORMONOGENESIS, 2B; Pendred's syndrome; DEAFNESS WITH GOITER; THYROID DYSHORMONOGENESIS 2B. Identifiers: Orphanet 705, MedGen C0271829, MONDO:0010134, OMIM 274600.

Submissions (2):

Baylor Genetics
Classification: Likely pathogenic for Autosomal recessive nonsyndromic hearing loss 4. Last evaluated: 2022-12-21. Review status: criteria provided, single submitter. Criteria: ACMG Guidelines, 2015. Collection method: clinical testing. Allele origin: unknown.

Myriad Genetics, Inc.
Classification: Likely pathogenic for Pendred syndrome. Last evaluated: 2021-11-08. Review status: criteria provided, single submitter. Criteria: Myriad Women's Health Autosomal Recessive and X-Linked Classification Criteria (2021). Collection method: clinical testing. Allele origin: unknown.
Comment: NM_000441.1(SLC26A4):c.518dupC(T174Yfs*8) is expected to be pathogenic in the context of Pendred syndrome. This variant is predicted to lead to an abnormal or absent protein product due to the creation of a premature termination codon in SLC26A4, a gene where loss-of-function variants are known to be pathogenic. Please note: this variant was assessed in the context of healthy population screening.

NM_000441.2(SLC26A4):c.518dup (p.Thr174fs)

Gene: SLC26A4 (solute carrier family 26 member 4; plus strand). Cytogenetic location: 7q22.3.
Variant type: Duplication.
Coding change: c.518dup on transcript NM_000441.2 (MANE Select); coding-DNA position 518, one base duplicated (C; older notation c.518dupC).
Protein change: p.Thr174fs; shifts the reading frame from threonine 174.
Molecular consequence: frameshift variant.
Genome position (GRCh38, 1-based): chr7:107,674,266, C duplicated. VCF-style (leftmost placement, unchanged base first): chr7-107674265-A-AC. GRCh37 (hg19) VCF-style: chr7-107314710-A-AC.
Other names: short protein forms T174fs.
Identifiers: ClinVar variation 1724218 (VCV001724218.3), dbSNP rs2535296401, ClinGen allele CA2580076172.